The following is an entry in ClinVar:

NM_001122681.2(SH3BP2):c.*2623G>T

Gene: SH3BP2 (SH3 domain binding protein 2; plus strand). Cytogenetic location: 4p16.3.
Variant type: single nucleotide variant.
Coding change: c.*2623G>T on transcript NM_001122681.2 (MANE Select); 2623 bases downstream of the stop codon, G replaced by T.
Molecular consequence: 3 prime UTR variant.
Genome position (GRCh38, 1-based): chr4:2,836,457, G>T. VCF-style: chr4-2836457-G-T. GRCh37 (hg19) VCF-style: chr4-2838184-G-T.
Other names: c.*2623G>T (LRG_1334t2, LRG_1334t1, NM_001145855.2 and 2 more transcripts).
Identifiers: ClinVar variation 348640 (VCV000348640.5), dbSNP rs76564843, ClinGen allele CA10620936.

ClinVar aggregate classification (germline): Benign (1 of 4 stars; one submission).

Conditions:
Fibrous dysplasia of jaw (CRBM). Also called: Cherubism. Identifiers: Orphanet 184, MedGen C0008029, MONDO:0007315, OMIM 118400.

Allele frequency attached by ClinVar (database versions not stated): gnomAD 0.03048 and 0.03268; 1000 Genomes Project 0.03375; TOPMed 0.03466; 1000 Genomes Project 30x 0.03592.

Submission:

Illumina Laboratory Services, Illumina
Classification: Benign for Fibrous dysplasia of jaw. Last evaluated: 2018-01-13. Review status: criteria provided, single submitter. Criteria: ICSL Variant Classification Criteria 13 December 2019. Collection method: clinical testing. Allele origin: germline.
Comment: This variant was observed in the ICSL laboratory as part of a predisposition screen in an ostensibly healthy population. It had not been previously curated by ICSL or reported in the Human Gene Mutation Database (HGMD: prior to June 1st, 2018), and was therefore a candidate for classification through an automated scoring system. Utilizing variant allele frequency, disease prevalence and penetrance estimates, and inheritance mode, an automated score was calculated to assess if this variant is too frequent to cause the disease. Based on the score and internal cut-off values, a variant classified as benign is not then subjected to further curation. The score for this variant resulted in a classification of benign for this disease.